The following is an entry in ClinVar:

ClinVar aggregate classification (germline): Uncertain significance. Review status: criteria provided, multiple submitters, no conflicts (2 of 4 stars). 9 submissions from 7 submitters: Uncertain significance (8). 1 of the submissions does not count toward it. Last evaluated 2026-06-26.

Conditions:
Nephronophthisis. Also called: Juvenile Nephronophthisis. Identifiers: Orphanet 655, MedGen C0687120, MONDO:0019005, HP:0000090.
Renal-hepatic-pancreatic dysplasia 1 (RHPD1). Identifiers: MedGen C3715199, MONDO:0008833, OMIM 208540.
NPHP3-related Meckel-like syndrome. Also called: Meckel syndrome type 7; GOLDSTON SYNDROME. Identifiers: Orphanet 3032, MedGen C2673885, MONDO:0009966, OMIM 267010.
NPHP3-related disorder. Also called: NPHP3-related disorders; NPHP3-related condition. Identifiers: MedGen CN379163.
Nephronophthisis 3 (NPHP3). Also called: Adolescent nephronophthisis. Identifiers: Orphanet 655, MedGen C1858392, MONDO:0011456, OMIM 604387.
Optic atrophy. Identifiers: MedGen C0029124, MONDO:0003608, HP:0000648.

Allele frequency attached by ClinVar (database versions not stated): TOPMed 0.00006; ExAC 0.00012; gnomAD 0.00012 and 0.00013; gnomAD exomes 0.00012 and 0.00016; ESP Exome Variant Server 0.00015.
gnomAD v4.1: 190 of 1,613,792 alleles (0.012%); highest among the groups gnomAD compares: Non-Finnish European, 0.013%; 1 homozygote.

Submissions (9):

PreventionGenetics, part of Exact Sciences
Classification: Uncertain significance for NPHP3-related condition. Last evaluated: 2026-06-26. Review status: criteria provided, single submitter. Criteria: ACMG Guidelines, 2015. Collection method: clinical testing. Allele origin: germline.
Comment: The NPHP3 c.3570+4A>G variant is predicted to interfere with splicing. This variant is predicted to alter splicing based on available splicing prediction programs (SpliceAI, Jaganathan et al. 2019. PubMed ID: 30661751). However, the use of computer prediction programs is not equivalent to functional evidence. To our knowledge, this variant has not been reported in the literature. A nucleotide substitution affecting an adjacent nucleotide (c.3570+5G>A) has been reported along with a truncating variant in an individual with nephronophthisis (Halbritter et al. 2013. PubMed ID: 23559409). This variant is reported in 0.036% of alleles in individuals of European (Finnish) descent in gnomAD. At this time, the clinical significance of this variant is uncertain due to the absence of conclusive functional and genetic evidence.

Blueprint Genetics
Classification: Uncertain significance. Last evaluated: 2024-11-23. Review status: criteria provided, single submitter. Criteria: ACMG Guidelines, 2015. Collection method: clinical testing. Allele origin: germline.

GeneDx
Classification: Uncertain significance. Last evaluated: 2024-11-04. Review status: criteria provided, single submitter. Criteria: GeneDx Variant Classification Process June 2021. Collection method: clinical testing. Allele origin: germline. Affected: yes.
Comment: In silico analysis supports a deleterious effect on splicing; Has not been previously published as pathogenic or benign to our knowledge

Labcorp Genetics (formerly Invitae), Labcorp
Classification: Uncertain significance for Nephronophthisis. Last evaluated: 2024-01-17. Review status: criteria provided, single submitter. Criteria: Invitae Variant Classification Sherloc (09022015). Collection method: clinical testing. Allele origin: germline.
Comment: This sequence change falls in intron 24 of the NPHP3 gene. It does not directly change the encoded amino acid sequence of the NPHP3 protein. It affects a nucleotide within the consensus splice site. This variant is present in population databases (rs374989123, gnomAD 0.03%). This variant has not been reported in the literature in individuals affected with NPHP3-related conditions. ClinVar contains an entry for this variant (Variation ID: 343375). Variants that disrupt the consensus splice site are a relatively common cause of aberrant splicing (PMID: 17576681, 9536098). Algorithms developed to predict the effect of sequence changes on RNA splicing suggest that this variant may create or strengthen a splice site. In summary, the available evidence is currently insufficient to determine the role of this variant in disease. Therefore, it has been classified as a Variant of Uncertain Significance.

Illumina Laboratory Services, Illumina
Classification: Uncertain significance for Nephronophthisis 3. Last evaluated: 2018-01-13. Review status: criteria provided, single submitter. Criteria: ICSL Variant Classification Criteria 13 December 2019. Collection method: clinical testing. Allele origin: germline.

Illumina Laboratory Services, Illumina
Classification: Uncertain significance for Renal-hepatic-pancreatic dysplasia 1. Last evaluated: 2018-01-13. Review status: criteria provided, single submitter. Criteria: ICSL Variant Classification Criteria 13 December 2019. Collection method: clinical testing. Allele origin: germline.

Illumina Laboratory Services, Illumina
Classification: Uncertain significance for NPHP3-related Meckel-like syndrome. Last evaluated: 2018-01-13. Review status: criteria provided, single submitter. Criteria: ICSL Variant Classification Criteria 13 December 2019. Collection method: clinical testing. Allele origin: germline.

Eurofins Ntd Llc (ga)
Classification: Uncertain significance. Last evaluated: 2017-10-04. Review status: criteria provided, single submitter. Criteria: EGL Classification Definitions 2015. Collection method: clinical testing. Allele origin: germline. Observed: 2 variant alleles, 2 heterozygotes.

Institute of Human Genetics, Univ. Regensburg, Univ. Regensburg
Classification: Uncertain significance for Optic atrophy. Last evaluated: 2022-01-01. Review status: no assertion criteria provided. Criteria: ACMG Guidelines, 2015. Collection method: clinical testing. Allele origin: germline. Affected: yes. Not counted in ClinVar's aggregate classification.

Literature cited by the submitters: PubMed 17576681 (cited by Labcorp Genetics (formerly Invitae), Labcorp); PubMed 9536098 (cited by Labcorp Genetics (formerly Invitae), Labcorp).

NM_153240.5(NPHP3):c.3570+4A>G

Genes: NPHP3 (nephrocystin 3; minus strand), NPHP3-ACAD11 (NPHP3-ACAD11 readthrough (NMD candidate); minus strand). Cytogenetic location: 3q22.1.
Variant type: single nucleotide variant.
Coding change: c.3570+4A>G on transcript NM_153240.5 (MANE Select); 4 bases into the intron after coding-DNA position 3570, A replaced by G.
Molecular consequence: intron variant.
Genome position (GRCh38, 1-based): chr3:132,684,550, T>C on the plus strand (A>G on the coding strand, the complement: NPHP3 is on the minus strand). VCF-style: chr3-132684550-T-C. GRCh37 (hg19) VCF-style: chr3-132403394-T-C.
Identifiers: ClinVar variation 343375 (VCV000343375.21), dbSNP rs374989123, ClinGen allele CA2621719.
Genomic context (GRCh38, chr3:132,684,550, plus strand): 5'-CTGATAGTAGTTATGGCTTAACTGATATGTTATAAAACATGTAAGAATGTCAAAGCTTAC[T>C]TACCATTTTCTTATACAAGATGGCAAGATGCTTCACCGTATATGCCAAAGAAGGGTGATC-3'